The following is an entry in ClinVar:

ClinVar aggregate classification (germline): Uncertain significance (1 of 4 stars; one submission).

Allele frequency attached by ClinVar (database versions not stated): gnomAD exomes 0.00001.

Submission:

Labcorp Genetics (formerly Invitae), Labcorp
Classification: Uncertain significance. Last evaluated: 2022-10-19. Review status: criteria provided, single submitter. Criteria: Invitae Variant Classification Sherloc (09022015). Collection method: clinical testing. Allele origin: germline.
Comment: In summary, the available evidence is currently insufficient to determine the role of this variant in disease. Therefore, it has been classified as a Variant of Uncertain Significance. Algorithms developed to predict the effect of missense changes on protein structure and function are either unavailable or do not agree on the potential impact of this missense change (SIFT: "Tolerated"; PolyPhen-2: "Probably Damaging"; Align-GVGD: "Class C0"). This variant has not been reported in the literature in individuals affected with LRRC10-related conditions. This variant is present in population databases (no rsID available, gnomAD 0.0009%). This sequence change replaces arginine, which is basic and polar, with serine, which is neutral and polar, at codon 170 of the LRRC10 protein (p.Arg170Ser).

NM_201550.4(LRRC10):c.510G>T (p.Arg170Ser)

Gene: LRRC10 (leucine rich repeat containing 10; minus strand). Cytogenetic location: 12q15.
Variant type: single nucleotide variant.
Coding change: c.510G>T on transcript NM_201550.4 (MANE Select); coding-DNA position 510, G replaced by T.
Protein change: p.Arg170Ser; replaces arginine 170 with serine.
Molecular consequence: missense variant.
Genome position (GRCh38, 1-based): chr12:69,610,329, C>A on the plus strand (G>T on the coding strand, the complement: LRRC10 is on the minus strand). VCF-style: chr12-69610329-C-A. GRCh37 (hg19) VCF-style: chr12-70004109-C-A.
Other names: short protein forms R170S.
Identifiers: ClinVar variation 2090960 (VCV002090960.4), dbSNP rs1347472811, ClinGen allele CA385736309.